The following is an entry in ClinVar:

ClinVar aggregate classification (germline): Uncertain significance. Review status: criteria provided, multiple submitters, no conflicts (2 of 4 stars). 2 submissions from 2 submitters: Uncertain significance (2). Last evaluated 2024-06-07.

Submissions (2):

Blueprint Genetics
Classification: Uncertain significance. Last evaluated: 2024-06-07. Review status: criteria provided, single submitter. Criteria: ACMG Guidelines, 2015. Collection method: clinical testing. Allele origin: germline.

Labcorp Genetics (formerly Invitae), Labcorp
Classification: Uncertain significance. Last evaluated: 2022-10-25. Review status: criteria provided, single submitter. Criteria: Invitae Variant Classification Sherloc (09022015). Collection method: clinical testing. Allele origin: germline.
Comment: In summary, the available evidence is currently insufficient to determine the role of this variant in disease. Therefore, it has been classified as a Variant of Uncertain Significance. Experimental studies and prediction algorithms are not available or were not evaluated, and the functional significance of this variant is currently unknown. This variant has not been reported in the literature in individuals affected with FOXF1-related conditions. The frequency data for this variant in the population databases is considered unreliable, as metrics indicate poor data quality at this position in the gnomAD database. This variant, c.54_59del, results in the deletion of 2 amino acid(s) of the FOXF1 protein (p.Gly22_Gly23del), but otherwise preserves the integrity of the reading frame.

NM_001451.3(FOXF1):c.36CGG[6] (p.Gly22_Gly23del)

Gene: FOXF1 (forkhead box F1; plus strand). Cytogenetic location: 16q24.1.
Variant type: Microsatellite.
Coding change: c.36CGG[6] on transcript NM_001451.3 (MANE Select); six copies in a row of the 3-base unit CGG starting at c.36; the reference has eight copies in a row; two copies, 6 bases deleted.
Protein change: p.Gly22_Gly23del.
Molecular consequence: inframe deletion.
Genome position (GRCh38, 1-based): chr16:86,510,623-86,510,628, CGGCGG deleted; deleting any 6 consecutive bases within chr16:86,510,605-86,510,628 gives the same sequence; the position shown is the placement nearest the transcript's 3' end. VCF-style (leftmost placement, unchanged base first): chr16-86510604-ACGGCGG-A. GRCh37 (hg19) VCF-style: chr16-86544210-ACGGCGG-A.
Identifiers: ClinVar variation 1949934 (VCV001949934.6), dbSNP rs574179816, ClinGen allele CA624445501.